The following is an entry in ClinVar:

NM_001134363.3(RBM20):c.2740G>T (p.Val914Phe)

Gene: RBM20 (RNA binding motif protein 20; plus strand). Cytogenetic location: 10q25.2.
Variant type: single nucleotide variant.
Coding change: c.2740G>T on transcript NM_001134363.3 (MANE Select); coding-DNA position 2740, G replaced by T.
Protein change: p.Val914Phe; replaces valine 914 with phenylalanine.
Molecular consequence: missense variant.
Genome position (GRCh38, 1-based): chr10:110,821,359, G>T. VCF-style: chr10-110821359-G-T. GRCh37 (hg19) VCF-style: chr10-112581117-G-T.
Other names: short protein forms V914F.
Identifiers: ClinVar variation 2718124 (VCV002718124.3), dbSNP rs2135120928, ClinGen allele CA378377400.

ClinVar aggregate classification (germline): Uncertain significance (1 of 4 stars; one submission).

Conditions:
Dilated cardiomyopathy 1DD (CMD1DD). Identifiers: Orphanet 154, MedGen C2750995, MONDO:0013168, OMIM 613172.

Submission:

Labcorp Genetics (formerly Invitae), Labcorp
Classification: Uncertain significance for Dilated cardiomyopathy 1DD. Last evaluated: 2025-03-24. Review status: criteria provided, single submitter. Criteria: Invitae Variant Classification Sherloc (09022015). Collection method: clinical testing. Allele origin: germline.
Comment: This sequence change replaces valine, which is neutral and non-polar, with phenylalanine, which is neutral and non-polar, at codon 914 of the RBM20 protein (p.Val914Phe). This variant is not present in population databases (gnomAD no frequency). This missense change has been observed in individual(s) with dilated cardiomyopathy (internal data). ClinVar contains an entry for this variant (Variation ID: 2718124). Invitae Evidence Modeling of protein sequence and biophysical properties (such as structural, functional, and spatial information, amino acid conservation, physicochemical variation, residue mobility, and thermodynamic stability) has been performed for this missense variant. However, the output from this modeling did not meet the statistical confidence thresholds required to predict the impact of this variant on RBM20 protein function. In summary, the available evidence is currently insufficient to determine the role of this variant in disease. Therefore, it has been classified as a Variant of Uncertain Significance.